The following is an entry in ClinVar:

ClinVar aggregate classification (germline): not provided (0 of 4 stars; one submission).

Allele frequency attached by ClinVar (database versions not stated): gnomAD exomes 0.00001; gnomAD 0.00001; TOPMed below 0.00001.
gnomAD v4.1: 5 of 1,604,200 alleles (0.00031%); highest among the groups gnomAD compares: East Asian, 0.011%; no homozygotes.

Submission:

Human Evolutionary Genetics, Institut Pasteur
No classification provided. Review status: no classification provided. Collection method: not provided. Allele origin: germline.
ClinVar note: Converted during submission from untested to not provided.

NM_001433705.1(NLRP5):c.2805-33C>A

Gene: NLRP5 (NLR family pyrin domain containing 5; plus strand). Cytogenetic location: 19q13.43.
Variant type: single nucleotide variant.
Coding change: c.2805-33C>A on transcript NM_001433705.1 (MANE Select); 33 bases into the intron before coding-DNA position 2805, C replaced by A.
Molecular consequence: intron variant.
Genome position (GRCh38, 1-based): chr19:56,050,385, C>A. VCF-style: chr19-56050385-C-A. GRCh37 (hg19) VCF-style: chr19-56561751-C-A.
Other names: NM_153447.4:c.2958-33C>A.
Identifiers: ClinVar variation 103288 (VCV000103288.2), dbSNP rs199475784, ClinGen allele CA230372.